The following is an entry in ClinVar:

NM_000530.8(MPZ):c.235-9_267dup

Gene: MPZ (myelin protein zero; minus strand). Cytogenetic location: 1q23.3.
Variant type: Duplication.
Coding change: c.235-9_267dup on transcript NM_000530.8 (MANE Select); 9 bases into the intron before coding-DNA position 235 through coding-DNA position 267, 42 bases duplicated.
Molecular consequence: splice acceptor variant.
Genome position (GRCh38, 1-based): chr1:161,306,889-161,306,930, 42 bases duplicated; duplicating any 42 consecutive bases within chr1:161,306,889-161,306,931 gives the same sequence; the c. name uses the placement nearest the transcript's 3' end. GRCh37 (hg19): chr1:161,276,680-161,276,721.
Other names: c.235-9_267dup (NM_001315491.2).
Identifiers: ClinVar variation 3721894 (VCV003721894.2).

ClinVar aggregate classification (germline): Uncertain significance (1 of 4 stars; one submission).

Conditions:
Charcot-Marie-Tooth disease, type I (CMT1). Also called: Charcot-Marie-Tooth, Type 1; Charcot-Marie-Tooth disease type 1. Identifiers: Orphanet 65753, MedGen C0751036, MONDO:0019011.

Submission:

Labcorp Genetics (formerly Invitae), Labcorp
Classification: Uncertain significance for Charcot-Marie-Tooth disease, type I. Last evaluated: 2024-09-30. Review status: criteria provided, single submitter. Criteria: Invitae Variant Classification Sherloc (09022015). Collection method: clinical testing. Allele origin: germline.
Comment: This sequence change falls in intron 2 of the MPZ gene. It does not directly change the encoded amino acid sequence of the MPZ protein. This variant is not present in population databases (gnomAD no frequency). This variant has been observed in individual(s) with clinical features of Charcot-Marie-Tooth disease (internal data). This variant is also known as c.235-9_267dup (p.Ile89_Asp90insSerSer*). Experimental studies and prediction algorithms are not available or were not evaluated, and the effect of this variant on mRNA splicing is currently unknown. In summary, the available evidence is currently insufficient to determine the role of this variant in disease. Therefore, it has been classified as a Variant of Uncertain Significance.